The following is an entry in ClinVar:

NM_006949.4(STXBP2):c.1723C>G (p.Arg575Gly)

Gene: STXBP2 (syntaxin binding protein 2; plus strand). Cytogenetic location: 19p13.2.
Variant type: single nucleotide variant.
Coding change: c.1723C>G on transcript NM_006949.4 (MANE Select); coding-DNA position 1723, C replaced by G.
Protein change: p.Arg575Gly; replaces arginine 575 with glycine.
Molecular consequence: missense variant. On other transcripts: non-coding transcript variant (1).
Genome position (GRCh38, 1-based): chr19:7,647,751, C>G. VCF-style: chr19-7647751-C-G. GRCh37 (hg19) VCF-style: chr19-7712637-C-G.
Other names: c.1714C>G, p.Arg572Gly (NM_001127396.3); c.1756C>G, p.Arg586Gly (NM_001272034.2); short protein forms R572G, R575G, R586G.
Identifiers: ClinVar variation 1016027 (VCV001016027.6), dbSNP rs201481880, ClinGen allele CA403162338.

ClinVar aggregate classification (germline): Uncertain significance (1 of 4 stars; one submission).

Conditions:
Familial hemophagocytic lymphohistiocytosis 5. Also called: STXBP2-Related Familial Hemophagocytic Lymphohistiocytosis (STXBP2-fHLH). Identifiers: Orphanet 540, MedGen C2751293, MONDO:0013135, OMIM 613101.

gnomAD v4.1: 7 of 1,614,132 alleles (0.00043%); highest among the groups gnomAD compares: Non-Finnish European, 0.00059%; no homozygotes.

Submission:

Labcorp Genetics (formerly Invitae), Labcorp
Classification: Uncertain significance for Familial hemophagocytic lymphohistiocytosis 5. Last evaluated: 2021-09-01. Review status: criteria provided, single submitter. Criteria: Invitae Variant Classification Sherloc (09022015). Collection method: clinical testing. Allele origin: germline.
Comment: This sequence change replaces arginine with glycine at codon 575 of the STXBP2 protein (p.Arg575Gly). The arginine residue is weakly conserved and there is a moderate physicochemical difference between arginine and glycine. This variant is not present in population databases (ExAC no frequency). This variant has not been reported in the literature in individuals affected with STXBP2-related conditions. Algorithms developed to predict the effect of missense changes on protein structure and function (SIFT, PolyPhen-2, Align-GVGD) all suggest that this variant is likely to be tolerated. In summary, the available evidence is currently insufficient to determine the role of this variant in disease. Therefore, it has been classified as a Variant of Uncertain Significance.